The following is an entry in ClinVar:

ClinVar aggregate classification (germline): Uncertain significance (1 of 4 stars; one submission).

Conditions:
Developmental and epileptic encephalopathy 94 (DEE94). Also called: CHD2-Related Neurodevelopmental Disorders; Epileptic encephalopathy, childhood-onset. Identifiers: Orphanet 1942, Orphanet 2382, MedGen C3809278, MONDO:0014150, OMIM 615369.

Submission:

Labcorp Genetics (formerly Invitae), Labcorp
Classification: Uncertain significance for Developmental and epileptic encephalopathy 94. Last evaluated: 2025-06-24. Review status: criteria provided, single submitter. Criteria: Invitae Variant Classification Sherloc (09022015). Collection method: clinical testing. Allele origin: germline.
Comment: This sequence change replaces leucine, which is neutral and non-polar, with isoleucine, which is neutral and non-polar, at codon 245 of the CHD2 protein (p.Leu245Ile). This variant is not present in population databases (gnomAD no frequency). This variant has not been reported in the literature in individuals affected with CHD2-related conditions. ClinVar contains an entry for this variant (Variation ID: 2787764). Invitae Evidence Modeling of protein sequence and biophysical properties (such as structural, functional, and spatial information, amino acid conservation, physicochemical variation, residue mobility, and thermodynamic stability) indicates that this missense variant is not expected to disrupt CHD2 protein function with a negative predictive value of 95%. In summary, the available evidence is currently insufficient to determine the role of this variant in disease. Therefore, it has been classified as a Variant of Uncertain Significance.

NM_001271.4(CHD2):c.733C>A (p.Leu245Ile)

Gene: CHD2 (chromodomain helicase DNA binding protein 2; plus strand). Cytogenetic location: 15q26.1.
Variant type: single nucleotide variant.
Coding change: c.733C>A on transcript NM_001271.4 (MANE Select); coding-DNA position 733, C replaced by A.
Protein change: p.Leu245Ile; replaces leucine 245 with isoleucine.
Molecular consequence: missense variant.
Genome position (GRCh38, 1-based): chr15:92,941,862, C>A. VCF-style: chr15-92941862-C-A. GRCh37 (hg19) VCF-style: chr15-93485092-C-A.
Other names: c.733C>A, p.Leu245Ile (NM_001042572.3); short protein forms L245I.
Identifiers: ClinVar variation 2787764 (VCV002787764.3), dbSNP rs2505443361, ClinGen allele CA393900733.